The following is an entry in ClinVar:

NM_000702.4(ATP1A2):c.129G>A (p.Lys43=)

Gene: ATP1A2 (ATPase Na+/K+ transporting subunit alpha 2; plus strand). Cytogenetic location: 1q23.2.
Variant type: single nucleotide variant.
Coding change: c.129G>A on transcript NM_000702.4 (MANE Select); coding-DNA position 129, G replaced by A.
Protein change: p.Lys43=; no amino-acid change (lysine 43 retained).
Molecular consequence: synonymous variant.
Genome position (GRCh38, 1-based): chr1:160,121,203, G>A. VCF-style: chr1-160121203-G-A. GRCh37 (hg19) VCF-style: chr1-160090993-G-A.
Other names: p.K43K:AAG>AAA.
Identifiers: ClinVar variation 128478 (VCV000128478.26), dbSNP rs61734527, ClinGen allele CA288685.

ClinVar aggregate classification (germline): Benign. Review status: criteria provided, multiple submitters, no conflicts (2 of 4 stars). 12 submissions from 9 submitters: Benign (9). 3 of the submissions do not count toward it. Last evaluated 2026-02-03.

Conditions:
Familial hemiplegic migraine. Identifiers: MedGen C0338484, MONDO:0000700.
Developmental and epileptic encephalopathy 98. Identifiers: MedGen C5562017, MONDO:0030472, OMIM 619605.
Fetal akinesia, respiratory insufficiency, microcephaly, polymicrogyria, and dysmorphic facies. Identifiers: MedGen C5562015, MONDO:0859204, OMIM 619602.
Inborn genetic diseases. Identifiers: MedGen C0950123, MeSH D030342.
Alternating hemiplegia of childhood 1 (AHC1). Identifiers: Orphanet 2131, MedGen C3549447, MONDO:0007087, OMIM 104290.
Migraine, familial hemiplegic, 2. Identifiers: Orphanet 569, MedGen C1865322, MONDO:0011232, OMIM 602481.

Allele frequency attached by ClinVar (database versions not stated): gnomAD exomes 0.00077 and 0.00188; ExAC 0.00230; 1000 Genomes Project 30x 0.00656; 1000 Genomes Project 0.00659; gnomAD 0.00706 and 0.00766; TOPMed 0.00854; ESP Exome Variant Server 0.00946.
gnomAD v4.1: 2,277 of 1,614,216 alleles (0.14%); highest among the groups gnomAD compares: African/African-American, 2.6%; 27 homozygotes.

Submissions (12):

Labcorp Genetics (formerly Invitae), Labcorp
Classification: Benign for Familial hemiplegic migraine. Last evaluated: 2026-02-03. Review status: criteria provided, single submitter. Criteria: Invitae Variant Classification Sherloc (09022015). Collection method: clinical testing. Allele origin: germline.

Athena Diagnostics
Classification: Benign. Last evaluated: 2024-01-05. Review status: criteria provided, single submitter. Criteria: Athena Diagnostics Criteria. Collection method: clinical testing. Allele origin: unknown.

Genome-Nilou Lab
Classification: Benign for Alternating hemiplegia of childhood 1. Last evaluated: 2021-12-05. Review status: criteria provided, single submitter. Criteria: ACMG Guidelines, 2015. Collection method: clinical testing. Allele origin: germline. Affected: no.

Genome-Nilou Lab
Classification: Benign for Developmental and epileptic encephalopathy 98. Last evaluated: 2021-12-05. Review status: criteria provided, single submitter. Criteria: ACMG Guidelines, 2015. Collection method: clinical testing. Allele origin: germline. Affected: no.

Genome-Nilou Lab
Classification: Benign for Fetal akinesia, respiratory insufficiency, microcephaly, polymicrogyria, and dysmorphic facies. Last evaluated: 2021-12-05. Review status: criteria provided, single submitter. Criteria: ACMG Guidelines, 2015. Collection method: clinical testing. Allele origin: germline. Affected: no.

Genome-Nilou Lab
Classification: Benign for Migraine, familial hemiplegic, 2. Last evaluated: 2021-12-05. Review status: criteria provided, single submitter. Criteria: ACMG Guidelines, 2015. Collection method: clinical testing. Allele origin: germline. Affected: no.

Ambry Genetics
Classification: Benign for Inborn genetic diseases. Last evaluated: 2016-05-02. Review status: criteria provided, single submitter. Criteria: Ambry Variant Classification Scheme 2023. Collection method: clinical testing. Allele origin: germline.

GeneDx
Classification: Benign. Last evaluated: 2012-11-26. Review status: criteria provided, single submitter. Criteria: GeneDx Variant Classification (06012015). Collection method: clinical testing. Allele origin: germline. Affected: yes.
Comment: This variant is considered likely benign or benign based on one or more of the following criteria: it is a conservative change, it occurs at a poorly conserved position in the protein, it is predicted to be benign by multiple in silico algorithms, and/or has population frequency not consistent with disease.

Breakthrough Genomics
Classification: Benign. Review status: criteria provided, single submitter. Criteria: ACMG Guidelines, 2015. Collection method: not provided. Allele origin: germline. Inheritance: Autosomal recessive inheritance. Affected: yes.

Clinical Genetics DNA and cytogenetics Diagnostics Lab, Erasmus MC, Erasmus Medical Center
Classification: Likely benign. Review status: no assertion criteria provided. Collection method: clinical testing. Allele origin: germline. Affected: yes. Study: VKGL Data-share Consensus. Not counted in ClinVar's aggregate classification.

Genetic Services Laboratory, University of Chicago
Classification: Likely benign for AllHighlyPenetrant. Review status: no assertion criteria provided. Collection method: clinical testing. Allele origin: germline. Inheritance: Autosomal dominant inheritance. Not counted in ClinVar's aggregate classification.
Comment: Likely benign based on allele frequency in 1000 Genomes Project or ESP global frequency and its presence in a patient with a rare or unrelated disease phenotype. NOT Sanger confirmed.

Laboratory of Diagnostic Genome Analysis, Leiden University Medical Center (LUMC)
Classification: Likely benign. Review status: no assertion criteria provided. Collection method: clinical testing. Allele origin: germline. Affected: yes. Study: VKGL Data-share Consensus. Not counted in ClinVar's aggregate classification.